The following is an entry in ClinVar:

NM_031220.4(PITPNM3):c.2800C>T (p.Pro934Ser)

Gene: PITPNM3 (PITPNM family member 3; minus strand). Cytogenetic location: 17p13.2.
Variant type: single nucleotide variant.
Coding change: c.2800C>T on transcript NM_031220.4 (MANE Select); coding-DNA position 2800, C replaced by T.
Protein change: p.Pro934Ser; replaces proline 934 with serine.
Molecular consequence: missense variant.
Genome position (GRCh38, 1-based): chr17:6,455,463, G>A on the plus strand (C>T on the coding strand, the complement: PITPNM3 is on the minus strand). VCF-style: chr17-6455463-G-A. GRCh37 (hg19) VCF-style: chr17-6358783-G-A.
Other names: c.2692C>T, p.Pro898Ser (NM_001165966.2); short protein forms P934S, P898S.
Identifiers: ClinVar variation 4716799 (VCV004716799.1).
Genomic context (GRCh38, chr17:6,455,463, plus strand): 5'-GGTCTTTGTCCGACTCGGGCTGGCTCTGGGCCCGCTCGGGCTTGGGGTTGGCGGCGGGCG[G>A]GTCGGGCTGCTGCACTGACATGGTTCTGCGCAGGTGGTTGCGCTTCCGCAGGAACTCTGG-3'
Protein context (NP_112497.2, residues 924-944): RRTMSVQQPD[Pro934Ser]PAANPKPERA

ClinVar aggregate classification (germline): Uncertain significance (1 of 4 stars; one submission).

gnomAD v4.1: 6 of 1,604,666 alleles (0.00037%); highest among the groups gnomAD compares: Non-Finnish European, 0.00051%; no homozygotes.

Submission:

Labcorp Genetics (formerly Invitae), Labcorp
Classification: Uncertain significance. Last evaluated: 2025-05-25. Review status: criteria provided, single submitter. Criteria: Invitae Variant Classification Sherloc (09022015). Collection method: clinical testing. Allele origin: germline.
Comment: This sequence change replaces proline, which is neutral and non-polar, with serine, which is neutral and polar, at codon 934 of the PITPNM3 protein (p.Pro934Ser). This variant is not present in population databases (gnomAD no frequency). This variant has not been reported in the literature in individuals affected with PITPNM3-related conditions. An algorithm developed to predict the effect of missense changes on protein structure and function (PolyPhen-2) suggests that this variant is likely to be tolerated. In summary, the available evidence is currently insufficient to determine the role of this variant in disease. Therefore, it has been classified as a Variant of Uncertain Significance.